The following is an entry in ClinVar:

NM_001395656.1(ROBO2):c.1243+5G>T

Gene: ROBO2 (roundabout guidance receptor 2; plus strand). Cytogenetic location: 3p12.3.
Variant type: single nucleotide variant.
Coding change: c.1243+5G>T on transcript NM_001395656.1 (MANE Select); 5 bases into the intron after coding-DNA position 1243, G replaced by T.
Molecular consequence: intron variant.
Genome position (GRCh38, 1-based): chr3:77,550,994, G>T. VCF-style: chr3-77550994-G-T. GRCh37 (hg19) VCF-style: chr3-77600145-G-T.
Other names: c.1291+5G>T (NM_001378195.1, NM_001378196.1, NM_001378190.1 and 4 more transcripts); c.1279+5G>T (NM_001128929.3); c.1312+5G>T (NM_001394213.1, NM_001378192.1, NM_001378198.1 and 2 more transcripts); c.1300+5G>T (NM_001394212.1, NM_001395657.1, NM_001394214.1); c.1243+5G>T (NM_001290040.2, NM_001290039.2, NM_001378202.1); c.-688+5G>T (NM_001290065.2); c.1231+5G>T (NM_001378197.1, NM_001378193.1, NM_002942.5).
Identifiers: ClinVar variation 3347956 (VCV003347956.1).
Genomic context (GRCh38, chr3:77,550,994, plus strand): 5'-GGCTTTAACTGTGGCAGGAAGCATTTTAGCAAAAGCTCAACTGGAGGTTACTGATGGTGC[G>T]ATATCTTTACTAGATTTGTCTTATGAAAACATTGATTTTTATTTCTAGATACACGTTAAC-3'

ClinVar aggregate classification (germline): Uncertain significance (0 of 4 stars; one submission).

Conditions:
ROBO2-related disorder. Also called: ROBO2-related condition.

Submission:

PreventionGenetics, part of Exact Sciences
Classification: Uncertain significance for ROBO2-related condition. Last evaluated: 2024-06-26. Review status: no assertion criteria provided. Collection method: clinical testing. Allele origin: germline.
Comment: The ROBO2 c.1279+5G>T variant is predicted to interfere with splicing. This variant is predicted to alter splicing based on available splicing prediction programs (SpliceAI, Jaganathan et al. 2019. PubMed ID: 30661751). However, such computer prediction programs are imperfect. To our knowledge, this variant has not been reported in the literature or in a large population database, indicating this variant is rare. At this time, the clinical significance of this variant is uncertain due to the absence of conclusive functional and genetic evidence.